The following is an entry in ClinVar:

NM_001371727.1(GABRB2):c.862A>G (p.Ile288Val)

Gene: GABRB2 (gamma-aminobutyric acid type A receptor subunit beta2; minus strand). Cytogenetic location: 5q34.
Variant type: single nucleotide variant.
Coding change: c.862A>G on transcript NM_001371727.1 (MANE Select); coding-DNA position 862, A replaced by G.
Protein change: p.Ile288Val; replaces isoleucine 288 with valine.
Molecular consequence: missense variant.
Genome position (GRCh38, 1-based): chr5:161,331,098, T>C on the plus strand (A>G on the coding strand, the complement: GABRB2 is on the minus strand). VCF-style: chr5-161331098-T-C. GRCh37 (hg19) VCF-style: chr5-160758105-T-C.
Other names: c.862A>G, p.Ile288Val (NM_000813.3, NM_021911.3); c.862A>G (NM_021911.2); short protein forms I288V.
Identifiers: ClinVar variation 1058426 (VCV001058426.10), dbSNP rs1021186046, ClinGen allele CA131019994.

ClinVar aggregate classification (germline): Conflicting classifications of pathogenicity. Review status: criteria provided, conflicting classifications (1 of 4 stars). 2 submissions from 2 submitters: Likely pathogenic (1); Uncertain significance (1). Last evaluated 2025-09-24.

Conditions:
Intellectual disability. Also called: Intellectual functioning disability; Intellectual developmental disorder; intellectual disabilities. Identifiers: MedGen C3714756, MeSH D008607, MONDO:0001071, HP:0001249.
Inborn genetic diseases. Identifiers: MedGen C0950123, MeSH D030342.

Allele frequency attached by ClinVar (database versions not stated): TOPMed 0.00002; gnomAD exomes below 0.00001; gnomAD 0.00001.
gnomAD v4.1: 4 of 1,593,314 alleles (0.00025%); highest among the groups gnomAD compares: Admixed American, 0.0017%; no homozygotes.

Submissions (2):

Labcorp Genetics (formerly Invitae), Labcorp
Classification: Likely pathogenic for Intellectual disability. Last evaluated: 2025-09-24. Review status: criteria provided, single submitter. Criteria: Invitae Variant Classification Sherloc (09022015). Collection method: clinical testing. Allele origin: germline.
Comment: This sequence change replaces isoleucine, which is neutral and non-polar, with valine, which is neutral and non-polar, at codon 288 of the GABRB2 protein (p.Ile288Val). This variant is not present in population databases (gnomAD no frequency). This variant has not been reported in the literature in individuals affected with GABRB2-related conditions. ClinVar contains an entry for this variant (Variation ID: 1058426). Invitae Evidence Modeling of protein sequence and biophysical properties (such as structural, functional, and spatial information, amino acid conservation, physicochemical variation, residue mobility, and thermodynamic stability) has been performed for this missense variant. However, the output from this modeling did not meet the statistical confidence thresholds required to predict the impact of this variant on GABRB2 protein function. This variant disrupts the p.Ile288 amino acid residue in GABRB2. Other variant(s) that disrupt this residue have been determined to be pathogenic (PMID: 33325057). This suggests that this residue is clinically significant, and that variants that disrupt this residue are likely to be disease-causing. In summary, the currently available evidence indicates that the variant is pathogenic, but additional data are needed to prove that conclusively. Therefore, this variant has been classified as Likely Pathogenic.

Ambry Genetics
Classification: Uncertain significance for Inborn genetic diseases. Last evaluated: 2023-12-21. Review status: criteria provided, single submitter. Criteria: Ambry Variant Classification Scheme 2023. Collection method: clinical testing. Allele origin: germline.
Comment: The c.862A>G (p.I288V) alteration is located in exon 9 (coding exon 8) of the GABRB2 gene. This alteration results from a A to G substitution at nucleotide position 862, causing the isoleucine (I) at amino acid position 288 to be replaced by a valine (V). This variant was not reported in population-based cohorts in the Genome Aggregation Database (gnomAD). Two other alterations at the same codon, c.863T>G (p.I288S) and c.863T>C (p.I288T), have been detected in individuals with clinical features consistent with GABRB2-related developmental and epileptic encephalopathy (El Achkar, 2021). This amino acid position is highly conserved in available vertebrate species. This missense alteration is located in a region that has a low rate of benign missense variation (Lek, 2016; Firth, 2009). Based on internal structural analysis, I288V disrupts a conserved motif in GABRB2, variants of which are associated with epileptic encephalopathy and are internally pathogenic (Hernandez, 2019; Sente, 2022). The in silico prediction for this alteration is inconclusive. Based on insufficient or conflicting evidence, the clinical significance of this alteration remains unclear.

Literature cited by the submitters: PubMed 33325057 (cited by Labcorp Genetics (formerly Invitae), Labcorp and Ambry Genetics); PubMed 30851244 (cited by Ambry Genetics); PubMed 35355020 (cited by Ambry Genetics).